The following is an entry in ClinVar:

NM_002732.4(PRKACG):c.16G>C (p.Ala6Pro)

Gene: PRKACG (protein kinase cAMP-activated catalytic subunit gamma; minus strand). Cytogenetic location: 9q21.11.
Variant type: single nucleotide variant.
Coding change: c.16G>C on transcript NM_002732.4 (MANE Select); coding-DNA position 16, G replaced by C.
Protein change: p.Ala6Pro; replaces alanine 6 with proline.
Molecular consequence: missense variant.
Genome position (GRCh38, 1-based): chr9:69,014,077, C>G on the plus strand (G>C on the coding strand, the complement: PRKACG is on the minus strand). VCF-style: chr9-69014077-C-G. GRCh37 (hg19) VCF-style: chr9-71628993-C-G.
Other names: p.Ala6Pro; short protein forms A6P.
Identifiers: ClinVar variation 4541447 (VCV004541447.1).

ClinVar aggregate classification (germline): Uncertain significance (1 of 4 stars; one submission).

Submission:

Mayo Clinic Laboratories, Mayo Clinic
Classification: Uncertain significance. Last evaluated: 2024-09-18. Review status: criteria provided, single submitter. Criteria: ACMG Guidelines, 2015. Collection method: clinical testing. Allele origin: germline. Observed: 1 variant allele.
Comment: BP4, PM2_supporting